The following is an entry in ClinVar:

ClinVar aggregate classification (germline): Uncertain significance (1 of 4 stars; one submission).

Allele frequency attached by ClinVar (database versions not stated): gnomAD exomes below 0.00001.
gnomAD v4.1: 3 of 1,338,548 alleles (0.00022%); highest among the groups gnomAD compares: Non-Finnish European, 0.00031%; no homozygotes.

Submission:

Labcorp Genetics (formerly Invitae), Labcorp
Classification: Uncertain significance. Last evaluated: 2022-08-08. Review status: criteria provided, single submitter. Criteria: Invitae Variant Classification Sherloc (09022015). Collection method: clinical testing. Allele origin: germline.
Comment: In summary, the available evidence is currently insufficient to determine the role of this variant in disease. Therefore, it has been classified as a Variant of Uncertain Significance. Algorithms developed to predict the effect of missense changes on protein structure and function (SIFT, PolyPhen-2, Align-GVGD) all suggest that this variant is likely to be tolerated. This variant has not been reported in the literature in individuals affected with SCN3A-related conditions. This variant is not present in population databases (gnomAD no frequency). This sequence change replaces asparagine, which is neutral and polar, with lysine, which is basic and polar, at codon 43 of the SCN3A protein (p.Asn43Lys).

NM_006922.4(SCN3A):c.129T>A (p.Asn43Lys)

Gene: SCN3A (sodium voltage-gated channel alpha subunit 3; minus strand). Cytogenetic location: 2q24.3.
Variant type: single nucleotide variant.
Coding change: c.129T>A on transcript NM_006922.4 (MANE Select); coding-DNA position 129, T replaced by A.
Protein change: p.Asn43Lys; replaces asparagine 43 with lysine.
Molecular consequence: missense variant.
Genome position (GRCh38, 1-based): chr2:165,176,266, A>T on the plus strand (T>A on the coding strand, the complement: SCN3A is on the minus strand). VCF-style: chr2-165176266-A-T. GRCh37 (hg19) VCF-style: chr2-166032776-A-T.
Other names: c.129T>A, p.Asn43Lys (NM_001081676.2, NM_001081677.2); short protein forms N43K.
Identifiers: ClinVar variation 2154051 (VCV002154051.4), dbSNP rs1416468958, ClinGen allele CA349241005.